The following is an entry in ClinVar:

NM_001267550.2(TTN):c.81411del (p.Asp27138fs)

Genes: TTN-AS1 (TTN antisense RNA 1; plus strand), TTN (titin; minus strand). Cytogenetic location: 2q31.2.
Variant type: Deletion.
Coding change: c.81411del on transcript NM_001267550.2 (MANE Select); coding-DNA position 81411, one base deleted (T; older notation c.81411delT).
Protein change: p.Asp27138fs; shifts the reading frame from aspartic acid 27138.
Molecular consequence: frameshift variant.
Genome position (GRCh38, 1-based): chr2:178,564,721, A deleted on the plus strand (T on the coding strand, the reverse complement: TTN is on the minus strand); the first of 2 consecutive A bases (chr2:178,564,721-178,564,722); deleting either gives the same sequence. VCF-style (leftmost placement, unchanged base first): chr2-178564720-CA-C. GRCh37 (hg19) VCF-style: chr2-179429447-CA-C.
Other names: c.76488del, p.Asp25497fs (NM_001256850.1); c.54216del, p.Asp18073fs (NM_003319.4); c.73707del, p.Asp24570fs (NM_133378.4); c.54591del, p.Asp18198fs (NM_133432.3); c.54792del, p.Asp18265fs (NM_133437.4); short protein forms D24570fs, D18265fs, D25497fs, D18073fs, D18198fs, D27138fs.
Identifiers: ClinVar variation 1481365 (VCV001481365.8), dbSNP rs2154163173, ClinGen allele CA2573134146.

ClinVar aggregate classification (germline): Likely pathogenic (1 of 4 stars; one submission).

Conditions:
Dilated cardiomyopathy 1G (CMD1G). Identifiers: Orphanet 154, MedGen C1858763, MONDO:0011400, OMIM 604145.
Autosomal recessive limb-girdle muscular dystrophy type 2J (LGMDR10). Also called: Limb-girdle muscular dystrophy, type 2J; MUSCULAR DYSTROPHY, LIMB-GIRDLE, AUTOSOMAL RECESSIVE 10. Identifiers: Orphanet 140922, MedGen C1837342, MONDO:0012127, OMIM 608807.

Submission:

Labcorp Genetics (formerly Invitae), Labcorp
Classification: Likely pathogenic for Dilated cardiomyopathy 1G; Autosomal recessive limb-girdle muscular dystrophy type 2J. Last evaluated: 2021-08-03. Review status: criteria provided, single submitter. Criteria: Invitae Variant Classification Sherloc (09022015). Collection method: clinical testing. Allele origin: germline.
Comment: This sequence change creates a premature translational stop signal (p.Asp27138Metfs*52) in the TTN gene. While this is not anticipated to result in nonsense mediated decay, it is expected to create a truncated TTN protein. This variant is not present in population databases (ExAC no frequency). This variant has not been reported in the literature in individuals with TTN-related conditions. This variant is located in the A band of TTN (PMID: 25589632). Truncating variants in this region are significantly overrepresented in patients affected with dilated cardiomyopathy (PMID: 25589632). Truncating variants in this region have also been reported in individuals affected with autosomal recessive centronuclear myopathy (PMID: 23975875). In summary, the currently available evidence indicates that the variant is pathogenic, but additional data are needed to prove that conclusively. Therefore, this variant has been classified as Likely Pathogenic.

Literature cited by the submitters: PubMed 25589632; PubMed 23975875.